The following is an entry in ClinVar:

NM_017763.6(RNF43):c.393G>T (p.Glu131Asp)

Gene: RNF43 (ring finger protein 43; minus strand). Cytogenetic location: 17q22.
Variant type: single nucleotide variant.
Coding change: c.393G>T on transcript NM_017763.6 (MANE Select); coding-DNA position 393, G replaced by T.
Protein change: p.Glu131Asp; replaces glutamic acid 131 with aspartic acid.
Molecular consequence: missense variant.
Genome position (GRCh38, 1-based): chr17:58,363,583, C>A on the plus strand (G>T on the coding strand, the complement: RNF43 is on the minus strand). VCF-style: chr17-58363583-C-A. GRCh37 (hg19) VCF-style: chr17-56440944-C-A.
Other names: c.393G>T, p.Glu131Asp (NM_001305544.3); c.12G>T, p.Glu4Asp (NM_001305545.2); short protein forms E4D, E131D.
Identifiers: ClinVar variation 3718659 (VCV003718659.3).

ClinVar aggregate classification (germline): Uncertain significance. Review status: criteria provided, multiple submitters, no conflicts (2 of 4 stars). 2 submissions from 2 submitters: Uncertain significance (2). Last evaluated 2025-01-28.

gnomAD v4.1: 10 of 1,611,540 alleles (0.00062%); highest among the groups gnomAD compares: Non-Finnish European, 0.00085%; no homozygotes.

Submissions (2):

Labcorp Genetics (formerly Invitae), Labcorp
Classification: Uncertain significance. Last evaluated: 2025-01-28. Review status: criteria provided, single submitter. Criteria: Invitae Variant Classification Sherloc (09022015). Collection method: clinical testing. Allele origin: germline.
Comment: This sequence change replaces glutamic acid, which is acidic and polar, with aspartic acid, which is acidic and polar, at codon 131 of the RNF43 protein (p.Glu131Asp). This variant is present in population databases (no rsID available, gnomAD 0.002%). This variant has not been reported in the literature in individuals affected with RNF43-related conditions. An algorithm developed to predict the effect of missense changes on protein structure and function (PolyPhen-2) suggests that this variant is likely to be tolerated. In summary, the available evidence is currently insufficient to determine the role of this variant in disease. Therefore, it has been classified as a Variant of Uncertain Significance.

Ambry Genetics
Classification: Uncertain significance. Last evaluated: 2024-12-20. Review status: criteria provided, single submitter. Criteria: Ambry Variant Classification Scheme 2023. Collection method: clinical testing. Allele origin: germline.
Comment: The p.E131D variant (also known as c.393G>T), located in coding exon 3 of the RNF43 gene, results from a G to T substitution at nucleotide position 393. The glutamic acid at codon 131 is replaced by aspartic acid, an amino acid with highly similar properties. This amino acid position is conserved. In addition, this alteration is predicted to be tolerated by in silico analysis. Based on the available evidence, the clinical significance of this variant remains unclear.